The following is an entry in ClinVar:

ClinVar aggregate classification (germline): Pathogenic. Review status: criteria provided, multiple submitters, no conflicts (2 of 4 stars). 2 submissions from 2 submitters: Pathogenic (2). Last evaluated 2023-09-13.

Conditions:
Familial cancer of breast. Also called: Hereditary breast cancer; hereditary breast carcinoma; BREAST CANCER, FAMILIAL. Identifiers: Orphanet 227535, MedGen C0346153, MONDO:0016419, OMIM 114480. Disease mechanism: loss of function.

Submissions (2):

Myriad Genetics, Inc.
Classification: Pathogenic for Familial cancer of breast. Last evaluated: 2023-09-13. Review status: criteria provided, single submitter. Criteria: Myriad Autosomal Dominant, Autosomal Recessive and X-Linked Classification Criteria (2023). Collection method: clinical testing. Allele origin: unknown.
Comment: This variant is considered pathogenic. This variant creates a frameshift predicted to result in premature protein truncation.

Labcorp Genetics (formerly Invitae), Labcorp
Classification: Pathogenic for Familial cancer of breast. Last evaluated: 2020-09-16. Review status: criteria provided, single submitter. Criteria: Invitae Variant Classification Sherloc (09022015). Collection method: clinical testing. Allele origin: germline.
Comment: This sequence change creates a premature translational stop signal (p.Cys882Glyfs*12) in the PALB2 gene. It is expected to result in an absent or disrupted protein product. This variant is not present in population databases (ExAC no frequency). This variant has not been reported in the literature in individuals with PALB2-related conditions. Loss-of-function variants in PALB2 are known to be pathogenic (PMID: 17200668, 24136930, 25099575). For these reasons, this variant has been classified as Pathogenic.

Literature cited by the submitters: PubMed 17200668 (cited by Labcorp Genetics (formerly Invitae), Labcorp); PubMed 24136930 (cited by Labcorp Genetics (formerly Invitae), Labcorp); PubMed 25099575 (cited by Labcorp Genetics (formerly Invitae), Labcorp).

NM_024675.4(PALB2):c.2630_2643dup (p.Cys882fs)

Gene: PALB2 (partner and localizer of BRCA2; minus strand). Cytogenetic location: 16p12.2.
Variant type: Duplication.
Coding change: c.2630_2643dup on transcript NM_024675.4 (MANE Select); coding-DNA positions 2630 to 2643, 14 bases duplicated (GGGAAAGAGCCGGT).
Protein change: p.Cys882fs; shifts the reading frame from cysteine 882.
Molecular consequence: frameshift variant.
Genome position (GRCh38, 1-based): chr16:23,626,341-23,626,354, ACCGGCTCTTTCCC duplicated on the plus strand (GGGAAAGAGCCGGT on the coding strand, the reverse complement: PALB2 is on the minus strand); duplicating any 14 consecutive bases within chr16:23,626,341-23,626,355 gives the same sequence; the c. name uses the placement nearest the transcript's 3' end. VCF-style (leftmost placement, unchanged base first): chr16-23626340-A-AACCGGCTCTTTCCC. GRCh37 (hg19) VCF-style: chr16-23637661-A-AACCGGCTCTTTCCC.
Other names: short protein forms C882fs.
Identifiers: ClinVar variation 1071485 (VCV001071485.8), dbSNP rs2142355316, ClinGen allele CA2499223419.